The following is an entry in ClinVar:

NM_003073.5(SMARCB1):c.172G>A (p.Glu58Lys)

Gene: SMARCB1 (SWI/SNF related BAF chromatin remodeling complex subunit B1; plus strand). Cytogenetic location: 22q11.23.
Variant type: single nucleotide variant.
Coding change: c.172G>A on transcript NM_003073.5 (MANE Select); coding-DNA position 172, G replaced by A.
Protein change: p.Glu58Lys; replaces glutamic acid 58 with lysine.
Molecular consequence: missense variant.
Genome position (GRCh38, 1-based): chr22:23,791,834, G>A. VCF-style: chr22-23791834-G-A. GRCh37 (hg19) VCF-style: chr22-24134021-G-A.
Other names: c.172G>A, p.Glu58Lys (NM_001007468.3, NM_001317946.2, NM_001362877.2); short protein forms E58K.
Identifiers: ClinVar variation 3446087 (VCV003446087.1).

ClinVar aggregate classification (germline): Uncertain significance (1 of 4 stars; one submission).

Conditions:
Hereditary cancer-predisposing syndrome. Also called: Tumor predisposition; Neoplastic Syndromes, Hereditary; Hereditary neoplastic syndrome; Hereditary Cancer Syndrome. Identifiers: Orphanet 140162, MedGen C0027672, MeSH D009386, MONDO:0015356.

Submission:

Ambry Genetics
Classification: Uncertain significance for Hereditary cancer-predisposing syndrome. Last evaluated: 2024-10-31. Review status: criteria provided, single submitter. Criteria: Ambry Variant Classification Scheme 2023. Collection method: clinical testing. Allele origin: germline.
Comment: The p.E58K variant (also known as c.172G>A), located in coding exon 2 of the SMARCB1 gene, results from a G to A substitution at nucleotide position 172. The glutamic acid at codon 58 is replaced by lysine, an amino acid with similar properties. This amino acid position is conserved. In addition, the in silico prediction for this alteration is inconclusive. Based on the available evidence, the clinical significance of this variant remains unclear.